The following is an entry in ClinVar:

ClinVar aggregate classification (germline): Pathogenic (1 of 4 stars; one submission).

Conditions:
PKD1-Biallelic Autosomal Recessive Polycystic Kidney Disease.

Submission:

Women's Health and Genetics/Laboratory Corporation of America, LabCorp
Classification: Pathogenic for PKD1-Biallelic Autosomal Recessive Polycystic Kidney Disease. Last evaluated: 2026-07-07. Review status: criteria provided, single submitter. Criteria: LabCorp Variant Classification Summary - May 2015. Collection method: clinical testing. Allele origin: germline.
Comment: Variant summary: PKD1 c.9563A>G (p.Asn3188Ser) results in a conservative amino acid change in the encoded protein sequence. Algorithms developed to predict the effect of missense changes on protein structure and function are either unavailable or do not agree on the potential impact of this missense change. The variant was absent in 249788 control chromosomes (gnomAD). c.9563A>G has been observed in several homozygous individuals affected with PKD1-Biallelic Autosomal Recessive Polycystic Kidney Disease with evidence of segregation with disease and one individual with an in utero onset (e.g. Rossetti_2009). These data indicate that the variant is very likely to be associated with disease as a hypomorphic allele when inherited with another causal variant in trans, including when it occurs in the homozygous state. Other missense variants affecting the same codon have been found in individuals affected with autosomal dominant polycystic kidney disease (e.g. p.Asn3188Asp, p.Asn3188Ile), supporting the critical relevance of this codon to PKD1 function. The following publications have been ascertained in the context of this evaluation (PMID: 19165178, 33168999). No submitters have cited clinical-significance assessments for this variant to ClinVar. Based on the evidence outlined above, the variant was classified as pathogenic for PKD1-Biallelic Autosomal Recessive Polycystic Kidney Disease.

Literature cited by the submitters: PubMed 33168999; PubMed 19165178.

NM_001009944.3(PKD1):c.9563A>G (p.Asn3188Ser)

Gene: PKD1 (polycystin 1, transient receptor potential channel interacting; minus strand). Cytogenetic location: 16p13.3.
Variant type: single nucleotide variant.
Coding change: c.9563A>G on transcript NM_001009944.3 (MANE Select); coding-DNA position 9563, A replaced by G.
Protein change: p.Asn3188Ser; replaces asparagine 3188 with serine.
Molecular consequence: missense variant.
Genome position (GRCh38, 1-based): chr16:2,100,401, T>C on the plus strand (A>G on the coding strand, the complement: PKD1 is on the minus strand). VCF-style: chr16-2100401-T-C. GRCh37 (hg19) VCF-style: chr16-2150402-T-C.
Other names: c.9563A>G, p.Asn3188Ser (NM_000296.4); short protein forms N3188S.
Identifiers: ClinVar variation 4887098 (VCV004887098.1).